The following is an entry in ClinVar:

ClinVar aggregate classification (germline): Uncertain significance (1 of 4 stars; one submission).

Submission:

GeneDx
Classification: Uncertain significance. Last evaluated: 2022-10-31. Review status: criteria provided, single submitter. Criteria: GeneDx Variant Classification Process June 2021. Collection method: clinical testing. Allele origin: germline. Affected: yes.
Comment: Not observed at significant frequency in large population cohorts (gnomAD); In silico analysis supports that this missense variant has a deleterious effect on protein structure/function; Has not been previously published as pathogenic or benign to our knowledge

NM_001393769.1(MED12L):c.5830G>T (p.Gly1944Trp)

Gene: MED12L (mediator complex subunit 12L; plus strand). Cytogenetic location: 3q25.1.
Variant type: single nucleotide variant.
Coding change: c.5830G>T on transcript NM_001393769.1 (MANE Select); coding-DNA position 5830, G replaced by T.
Protein change: p.Gly1944Trp; replaces glycine 1944 with tryptophan.
Molecular consequence: missense variant.
Genome position (GRCh38, 1-based): chr3:151,409,252, G>T. VCF-style: chr3-151409252-G-T. GRCh37 (hg19) VCF-style: chr3-151127040-G-T.
Other names: c.5725G>T, p.Gly1909Trp (NM_053002.6); short protein forms G1909W, G1944W.
Identifiers: ClinVar variation 2500587 (VCV002500587.1), dbSNP rs2474191151, ClinGen allele CA354980335.